The following is an entry in ClinVar:

NM_001367624.2(ZNF469):c.8854G>C (p.Asp2952His)

Gene: ZNF469 (zinc finger protein 469; plus strand). Cytogenetic location: 16q24.2.
Variant type: single nucleotide variant.
Coding change: c.8854G>C on transcript NM_001367624.2 (MANE Select); coding-DNA position 8854, G replaced by C.
Protein change: p.Asp2952His; replaces aspartic acid 2952 with histidine.
Molecular consequence: missense variant.
Genome position (GRCh38, 1-based): chr16:88,436,324, G>C. VCF-style: chr16-88436324-G-C. GRCh37 (hg19) VCF-style: chr16-88502732-G-C.
Other names: NM_001127464.1:c.8770G>C; short protein forms D2952H.
Identifiers: ClinVar variation 2449496 (VCV002449496.2), dbSNP rs1336605160, ClinGen allele CA397119572.
Genomic context (GRCh38, chr16:88,436,324, plus strand): 5'-GCAGGTCTGCCCGAGTCCTTCCTCCTGGATGGGTTCCTCAATAGCAGGGTGCCTGGCATT[G>C]ACCCCTGGGCCCCCGGCCTCAGCCTGTGGGCCCTGGAGCCCAGCAGGGAAGCTGGTGCAG-3'
Protein context (NP_001354553.1, residues 2942-2962): GFLNSRVPGI[Asp2952His]PWAPGLSLWA

ClinVar aggregate classification (germline): Uncertain significance (1 of 4 stars; one submission).

Conditions:
Cardiovascular phenotype. Identifiers: MedGen CN230736.

gnomAD v4.1: 1 of 1,549,628 alleles (0.000065%); highest among the groups gnomAD compares: African/African-American, 0.0014%; no homozygotes.

Submission:

Ambry Genetics
Classification: Uncertain significance for Cardiovascular phenotype. Last evaluated: 2023-02-03. Review status: criteria provided, single submitter. Criteria: Ambry Variant Classification Scheme 2023. Collection method: clinical testing. Allele origin: germline.
Comment: The p.D2924H variant (also known as c.8770G>C), located in coding exon 2 of the ZNF469 gene, results from a G to C substitution at nucleotide position 8770. The aspartic acid at codon 2924 is replaced by histidine, an amino acid with similar properties. This amino acid position is conserved. In addition, this alteration is predicted to be tolerated by in silico analysis. Since supporting evidence is limited at this time, the clinical significance of this alteration remains unclear.